The following is an entry in ClinVar:

ClinVar aggregate classification (germline): Pathogenic/Likely pathogenic. Review status: criteria provided, multiple submitters, no conflicts (2 of 4 stars). 2 submissions from 2 submitters: Pathogenic (1); Likely pathogenic (1). Last evaluated 2025-09-17.

Conditions:
Congenital myasthenic syndrome 10. Also called: Myasthenia, limb-girdle, familial. Identifiers: Orphanet 590, MedGen C1850792, MONDO:0009690, OMIM 254300.
Fetal akinesia deformation sequence 1 (FADS1). Also called: Pena-Shokeir syndrome type I; Fetal akinesia sequence. Identifiers: Orphanet 994, MedGen C1276035, MONDO:0100101, OMIM 208150, HP:0001989.

Submissions (2):

Variantyx, Inc.
Classification: Likely pathogenic for Congenital myasthenic syndrome 10. Last evaluated: 2025-09-17. Review status: criteria provided, single submitter. Criteria: Variantyx Assertion Criteria 2022. Collection method: clinical testing. Allele origin: germline. Inheritance: Autosomal recessive inheritance. Affected: no.
Comment: This is a frameshift variant in the DOK7 gene (OMIM: 610285). Pathogenic variants in this gene have been associated with autosomal recessive congenital myasthenic syndrome 10. This variant introduces a premature termination codon in exon 7 out of 7 and is expected to result in loss of function, which is a known disease mechanism for DOK7 in this disorder (PMID: 26633545) (PVS1). This variant is absent from control populations (PM2) and has not been reported in individuals with DOK7-related disorders in the databases available for review. Based on the current evidence, this variant is classified as likely pathogenic for autosomal recessive congenital myasthenic syndrome 10.

Labcorp Genetics (formerly Invitae), Labcorp
Classification: Pathogenic for Congenital myasthenic syndrome 10; Fetal akinesia deformation sequence 1. Last evaluated: 2025-05-26. Review status: criteria provided, single submitter. Criteria: Invitae Variant Classification Sherloc (09022015). Collection method: clinical testing. Allele origin: germline.
Comment: This sequence change creates a premature translational stop signal (p.Leu466Profs*33) in the DOK7 gene. While this is not anticipated to result in nonsense mediated decay, it is expected to disrupt the last 39 amino acid(s) of the DOK7 protein. This variant is not present in population databases (gnomAD no frequency). This variant has not been reported in the literature in individuals affected with DOK7-related conditions. This variant disrupts a region of the DOK7 protein in which other variant(s) (p.Pro486Argfs*15) have been determined to be pathogenic (PMID: 29118959). This suggests that this is a clinically significant region of the protein, and that variants that disrupt it are likely to be disease-causing. For these reasons, this variant has been classified as Pathogenic.

Literature cited by the submitters: PubMed 26633545 (cited by Variantyx, Inc.); PubMed 29118959 (cited by Labcorp Genetics (formerly Invitae), Labcorp).

NM_173660.5(DOK7):c.1395_1453del (p.Leu466fs)

Gene: DOK7 (docking protein 7; plus strand). Cytogenetic location: 4p16.3.
Variant type: Deletion.
Coding change: c.1395_1453del on transcript NM_173660.5 (MANE Select); coding-DNA positions 1395 to 1453, 59 bases deleted.
Protein change: p.Leu466fs; shifts the reading frame from leucine 466.
Molecular consequence: frameshift variant. On other transcripts: 3 prime UTR variant (1).
Genome position (GRCh38, 1-based): chr4:3,493,381-3,493,439, 59 bases deleted. GRCh37 (hg19): chr4:3,495,108-3,495,166.
Other names: c.*616_*674del (NM_001164673.2); c.465_523del, p.Leu156fs (NM_001256896.2); c.1395_1453del, p.Leu466fs (NM_001301071.2); c.963_1021del, p.Leu322fs (NM_001363811.2); short protein forms L322fs, L466fs, L156fs.
Identifiers: ClinVar variation 4785118 (VCV004785118.1).